The following is an entry in ClinVar:

NM_000548.5(TSC2):c.3517A>T (p.Thr1173Ser)

Gene: TSC2 (TSC complex subunit 2; plus strand). Cytogenetic location: 16p13.3.
Variant type: single nucleotide variant.
Coding change: c.3517A>T on transcript NM_000548.5 (MANE Select); coding-DNA position 3517, A replaced by T.
Protein change: p.Thr1173Ser; replaces threonine 1173 with serine.
Molecular consequence: missense variant.
Genome position (GRCh38, 1-based): chr16:2,080,284, A>T. VCF-style: chr16-2080284-A-T. GRCh37 (hg19) VCF-style: chr16-2130285-A-T.
Other names: c.3385A>T, p.Thr1129Ser (NM_001077183.3, NM_001370404.1); c.3517A>T, p.Thr1173Ser (NM_001114382.3); c.3277A>T, p.Thr1093Ser (NM_001318827.2); c.3241A>T, p.Thr1081Ser (NM_001318829.2); c.2785A>T, p.Thr929Ser (NM_001318831.2); c.3418A>T, p.Thr1140Ser (NM_001318832.2); c.3388A>T, p.Thr1130Ser (NM_001363528.2, NM_001370405.1, NM_021055.3); short protein forms T1081S, T1093S, T929S, T1130S, T1173S, T1129S, T1140S.
Identifiers: ClinVar variation 968589 (VCV000968589.9), dbSNP rs766827673, ClinGen allele CA394289313.

ClinVar aggregate classification (germline): Uncertain significance (1 of 4 stars; one submission).

Conditions:
Tuberous sclerosis 2 (TSC2). Identifiers: Orphanet 805, MedGen C1860707, MONDO:0013199, OMIM 613254.

Submission:

Labcorp Genetics (formerly Invitae), Labcorp
Classification: Uncertain significance for Tuberous sclerosis 2. Last evaluated: 2021-12-05. Review status: criteria provided, single submitter. Criteria: Invitae Variant Classification Sherloc (09022015). Collection method: clinical testing. Allele origin: germline.
Comment: In summary, the available evidence is currently insufficient to determine the role of this variant in disease. Therefore, it has been classified as a Variant of Uncertain Significance. This sequence change replaces threonine, which is neutral and polar, with serine, which is neutral and polar, at codon 1173 of the TSC2 protein (p.Thr1173Ser). This variant is not present in population databases (gnomAD no frequency). This variant has not been reported in the literature in individuals affected with TSC2-related conditions. ClinVar contains an entry for this variant (Variation ID: 968589). Advanced modeling of protein sequence and biophysical properties (such as structural, functional, and spatial information, amino acid conservation, physicochemical variation, residue mobility, and thermodynamic stability) performed at Invitae indicates that this missense variant is not expected to disrupt TSC2 protein function.